The following is an entry in ClinVar:

NM_000610.4(CD44):c.729T>C (p.Asp243=)

Gene: CD44 (CD44 molecule (IN blood group); plus strand). Cytogenetic location: 11p13.
Variant type: single nucleotide variant.
Coding change: c.729T>C on transcript NM_000610.4 (MANE Select); coding-DNA position 729, T replaced by C.
Protein change: p.Asp243=; no amino-acid change (aspartic acid 243 retained).
Molecular consequence: synonymous variant. On other transcripts: intron variant (7).
Genome position (GRCh38, 1-based): chr11:35,196,807, T>C. VCF-style: chr11-35196807-T-C. GRCh37 (hg19) VCF-style: chr11-35218354-T-C.
Other names: c.668-1314T>C (NM_001001389.2); c.667+6742T>C (NM_001001390.2, NM_001202555.2, NM_001001391.2 and 2 more transcripts); c.233+20067T>C (NM_001001392.2).
Identifiers: ClinVar variation 3051675 (VCV003051675.2), dbSNP rs375053008, ClinGen allele CA5946471.
Genomic context (GRCh38, chr11:35,196,807, plus strand): 5'-TTTGATGAGCACTAGTGCTACAGCAACTGAGACAGCAACCAAGAGGCAAGAAACCTGGGA[T>C]TGGTTTTCATGGTTGTTTCTACCATCAGAGTCAAAGAATCATCTTCACACAACAACACAA-3'
Protein context (NP_000601.3, residues 233-253): ETATKRQETW[Asp243=]WFSWLFLPSE

ClinVar aggregate classification (germline): Likely benign (0 of 4 stars; one submission).

Conditions:
CD44-related disorder. Also called: CD44-related condition.

Allele frequency attached by ClinVar (database versions not stated): gnomAD 0.00006; TOPMed 0.00006; ESP Exome Variant Server 0.00008; gnomAD exomes 0.00010; ExAC 0.00013.
gnomAD v4.1: 154 of 1,613,658 alleles (0.0095%); highest among the groups gnomAD compares: Non-Finnish European, 0.011%; no homozygotes.

Submission:

PreventionGenetics, part of Exact Sciences
Classification: Likely benign for CD44-related condition. Last evaluated: 2019-03-13. Review status: no assertion criteria provided. Collection method: clinical testing. Allele origin: germline.
Comment: This variant is classified as likely benign based on ACMG/AMP sequence variant interpretation guidelines (Richards et al. 2015 PMID: 25741868, with internal and published modifications).